The following is an entry in ClinVar:

ClinVar aggregate classification (germline): Uncertain significance (1 of 4 stars; one submission).

Submission:

Ambry Genetics
Classification: Uncertain significance. Last evaluated: 2025-06-13. Review status: criteria provided, single submitter. Criteria: Ambry Variant Classification Scheme 2023. Collection method: clinical testing. Allele origin: germline.
Comment: The p.I142V variant (also known as c.424A>G), located in coding exon 3 of the ATRIP gene, results from an A to G substitution at nucleotide position 424. The isoleucine at codon 142 is replaced by valine, an amino acid with highly similar properties. This amino acid position is conserved. In addition, the in silico prediction for this alteration is inconclusive. Based on the available evidence, the clinical significance of this variant remains unclear.

NM_130384.3(ATRIP):c.424A>G (p.Ile142Val)

Genes: ATRIP (ATR interacting protein; plus strand), ATRIP-TREX1 (ATRIP-TREX1 readthrough; plus strand). Cytogenetic location: 3p21.31.
Variant type: single nucleotide variant.
Coding change: c.424A>G on transcript NM_130384.3 (MANE Select); coding-DNA position 424, A replaced by G.
Protein change: p.Ile142Val; replaces isoleucine 142 with valine.
Molecular consequence: missense variant. On other transcripts: non-coding transcript variant (1).
Genome position (GRCh38, 1-based): chr3:48,451,771, A>G. VCF-style: chr3-48451771-A-G. GRCh37 (hg19) VCF-style: chr3-48493177-A-G.
Other names: c.43A>G, p.Ile15Val (NM_001271022.2); c.145A>G, p.Ile49Val (NM_001271023.2); c.424A>G, p.Ile142Val (NM_032166.4); short protein forms I49V, I142V, I15V.
Identifiers: ClinVar variation 3977212 (VCV003977212.1).